The following is an entry in ClinVar:

ClinVar aggregate classification (germline): Benign/Likely benign. Review status: criteria provided, multiple submitters, no conflicts (2 of 4 stars). 3 submissions from 3 submitters: Benign (1); Likely benign (2). Last evaluated 2025-12-08.

Conditions:
Hereditary cancer-predisposing syndrome. Also called: Tumor predisposition; Neoplastic Syndromes, Hereditary; Hereditary Cancer Syndrome; Hereditary neoplastic syndrome. Identifiers: Orphanet 140162, MedGen C0027672, MeSH D009386, MONDO:0015356.
Hereditary diffuse gastric adenocarcinoma (HDGC). Also called: DIFFUSE GASTRIC AND LOBULAR BREAST CANCER SYNDROME. Identifiers: Orphanet 26106, MedGen C1708349, MONDO:0007648, OMIM 137215.

Submissions (3):

Labcorp Genetics (formerly Invitae), Labcorp
Classification: Likely benign for Hereditary diffuse gastric adenocarcinoma. Last evaluated: 2025-12-08. Review status: criteria provided, single submitter. Criteria: Invitae Variant Classification Sherloc (09022015). Collection method: clinical testing. Allele origin: germline.

Myriad Genetics, Inc.
Classification: Benign for Hereditary diffuse gastric adenocarcinoma. Last evaluated: 2024-09-20. Review status: criteria provided, single submitter. Criteria: Myriad Autosomal Dominant, Autosomal Recessive and X-Linked Classification Criteria (2023). Collection method: clinical testing. Allele origin: unknown.
Comment: This variant is considered benign. This variant is a silent/synonymous amino acid change and it is not expected to impact splicing.

Ambry Genetics
Classification: Likely benign for Hereditary cancer-predisposing syndrome. Last evaluated: 2019-12-29. Review status: criteria provided, single submitter. Criteria: Ambry Variant Classification Scheme 2023. Collection method: clinical testing. Allele origin: germline.

NM_004360.5(CDH1):c.1881A>G (p.Thr627=)

Gene: CDH1 (cadherin 1; plus strand). Cytogenetic location: 16q22.1.
Variant type: single nucleotide variant.
Coding change: c.1881A>G on transcript NM_004360.5 (MANE Select); coding-DNA position 1881, A replaced by G.
Protein change: p.Thr627=; no amino-acid change (threonine 627 retained).
Molecular consequence: synonymous variant. On other transcripts: 5 prime UTR variant (1).
Genome position (GRCh38, 1-based): chr16:68,822,170, A>G. VCF-style: chr16-68822170-A-G. GRCh37 (hg19) VCF-style: chr16-68856073-A-G.
Other names: c.1881A>G (LRG_301t1); c.1698A>G, p.Thr566= (NM_001317184.2); c.333A>G, p.Thr111= (NM_001317185.2); c.-85A>G (NM_001317186.2).
Identifiers: ClinVar variation 414061 (VCV000414061.12), dbSNP rs1060504176, ClinGen allele CA16615402.